The following is an entry in ClinVar:

ClinVar aggregate classification (germline): Uncertain significance (1 of 4 stars; one submission).

Conditions:
Agammaglobulinemia 2, autosomal recessive (AGM2). Also called: AGAMMAGLOBULINEMIA, AUTOSOMAL RECESSIVE, DUE TO IGLL1 DEFECT. Identifiers: MedGen C3150750, MONDO:0013287, OMIM 613500.

Allele frequency attached by ClinVar (database versions not stated): ExAC 0.00001; gnomAD 0.00001; TOPMed 0.00001.
gnomAD v4.1: 2 of 1,614,016 alleles (0.00012%); highest among the groups gnomAD compares: African/African-American, 0.0027%; no homozygotes.

Submission:

Labcorp Genetics (formerly Invitae), Labcorp
Classification: Uncertain significance for Agammaglobulinemia 2, autosomal recessive. Last evaluated: 2024-11-05. Review status: criteria provided, single submitter. Criteria: Invitae Variant Classification Sherloc (09022015). Collection method: clinical testing. Allele origin: germline.
Comment: This sequence change replaces histidine, which is basic and polar, with arginine, which is basic and polar, at codon 91 of the IGLL1 protein (p.His91Arg). This variant is present in population databases (rs746157093, gnomAD 0.004%). This variant has not been reported in the literature in individuals affected with IGLL1-related conditions. ClinVar contains an entry for this variant (Variation ID: 2173503). An algorithm developed to predict the effect of missense changes on protein structure and function (PolyPhen-2) suggests that this variant is likely to be tolerated. In summary, the available evidence is currently insufficient to determine the role of this variant in disease. Therefore, it has been classified as a Variant of Uncertain Significance.

NM_020070.4(IGLL1):c.272A>G (p.His91Arg)

Gene: IGLL1 (immunoglobulin lambda like polypeptide 1; minus strand). Cytogenetic location: 22q11.23.
Variant type: single nucleotide variant.
Coding change: c.272A>G on transcript NM_020070.4 (MANE Select); coding-DNA position 272, A replaced by G.
Protein change: p.His91Arg; replaces histidine 91 with arginine.
Molecular consequence: missense variant. On other transcripts: intron variant (1).
Genome position (GRCh38, 1-based): chr22:23,575,017, T>C on the plus strand (A>G on the coding strand, the complement: IGLL1 is on the minus strand). VCF-style: chr22-23575017-T-C. GRCh37 (hg19) VCF-style: chr22-23917204-T-C.
Other names: c.275A>G, p.His92Arg (NM_001369906.1); c.207-1432A>G (NM_152855.3); short protein forms H91R, H92R.
Identifiers: ClinVar variation 2173503 (VCV002173503.4), dbSNP rs746157093, ClinGen allele CA10143357.
Genomic context (GRCh38, chr22:23,575,017, plus strand): 5'-AGCCACTTACTTAAAACGGTGAGCTGGGTCCCGCTGCCAAACACATGCGTCACTGAGTTA[T>C]GCTTGGATTGAAACCCCCGGGGCCAGCACCTGGGGCCAGTCCAGGAGCCGCGCTGGAGCA-3'
Protein context (NP_064455.1, residues 81-101): RCWPRGFQSK[His91Arg]NSVTHVFGSG